The following is an entry in ClinVar:

ClinVar aggregate classification (germline): Conflicting classifications of pathogenicity. Review status: criteria provided, conflicting classifications (1 of 4 stars). 5 submissions from 5 submitters: Uncertain significance (3); Likely benign (2). Last evaluated 2025-10-27.

Conditions:
Hereditary cancer-predisposing syndrome. Also called: Tumor predisposition; Neoplastic Syndromes, Hereditary; Hereditary Cancer Syndrome; Hereditary neoplastic syndrome. Identifiers: Orphanet 140162, MedGen C0027672, MeSH D009386, MONDO:0015356.
Tuberous sclerosis syndrome (TSC). Also called: Tuberous Sclerosis Complex; Tuberous sclerosis. Identifiers: Orphanet 805, MedGen C0041341, MONDO:0001734.
Tuberous sclerosis 2 (TSC2). Identifiers: Orphanet 805, MedGen C1860707, MONDO:0013199, OMIM 613254.

gnomAD v4.1: 4 of 1,613,146 alleles (0.00025%); highest among the groups gnomAD compares: Admixed American, 0.0033%; no homozygotes.

Submissions (5):

Labcorp Genetics (formerly Invitae), Labcorp
Classification: Likely benign for Tuberous sclerosis 2. Last evaluated: 2025-10-27. Review status: criteria provided, single submitter. Criteria: Invitae Variant Classification Sherloc (09022015). Collection method: clinical testing. Allele origin: germline.

All of Us Research Program, National Institutes of Health
Classification: Uncertain significance for Tuberous sclerosis syndrome. Last evaluated: 2024-06-09. Review status: criteria provided, single submitter. Criteria: ACMG Guidelines, 2015. Collection method: clinical testing. Allele origin: germline. Inheritance: Autosomal dominant inheritance. Observed: 1 variant allele, 1 heterozygote.
Comment: This variant causes a G to T nucleotide substitution at the +5 position of intron 18 of the TSC2 gene. Splice site prediction tools suggest that this variant may have a significant impact on RNA splicing, although this prediction has not been confirmed in published RNA studies. This variant has not been reported in individuals affected with TSC2-related disorders in the literature. This variant has not been identified in the general population by the Genome Aggregation Database (gnomAD). The available evidence is insufficient to determine the role of this variant in disease conclusively. Therefore, this variant is classified as a Variant of Uncertain Significance.

This study involves interpretation of variants in research participants for the purpose of population health screening. Participant phenotype was not available at the time of variant classification. Additional details can be found in publication PMID: 35346344, PMCID: PMC8962531

Ambry Genetics
Classification: Likely benign for Hereditary cancer-predisposing syndrome. Last evaluated: 2022-11-22. Review status: criteria provided, single submitter. Criteria: Ambry Variant Classification Scheme 2023. Collection method: clinical testing. Allele origin: germline.

Genome-Nilou Lab
Classification: Uncertain significance for Tuberous sclerosis 2. Last evaluated: 2021-11-07. Review status: criteria provided, single submitter. Criteria: ACMG Guidelines, 2015. Collection method: clinical testing. Allele origin: germline. Affected: no.

Sema4
Classification: Uncertain significance for Hereditary cancer-predisposing syndrome. Last evaluated: 2021-06-07. Review status: criteria provided, single submitter. Criteria: Sema4 Curation Guidelines. Collection method: curation. Allele origin: germline.
Comment: To the best of our knowledge, the TSC2 c.1946+5G>T has not been reported in individuals with TSC2-related disease. It was not observed in the large and broad cohorts of the Genome Aggregation Database (PMID: 32461654). The variant has been reported in ClinVar (Variation ID: 406022). This nucleotide position is highly conserved in available vertebrate species. In silico tools suggest the impact of the variant on RNA splicing is deleterious, though these predictions have not been confirmed by functional studies. The evidence is insufficient to meet ACMG/AMP criteria for classifying the variant as benign or pathogenic. Thus, the clinical significance of this variant is currently uncertain.

NM_000548.5(TSC2):c.1946+5G>T

Gene: TSC2 (TSC complex subunit 2; plus strand). Cytogenetic location: 16p13.3.
Variant type: single nucleotide variant.
Coding change: c.1946+5G>T on transcript NM_000548.5 (MANE Select); 5 bases into the intron after coding-DNA position 1946, G replaced by T.
Molecular consequence: intron variant.
Genome position (GRCh38, 1-based): chr16:2,071,621, G>T. VCF-style: chr16-2071621-G-T. GRCh37 (hg19) VCF-style: chr16-2121622-G-T.
Other names: c.1946+5G>T (NM_001114382.3, NM_021055.3, NM_001370405.1 and 3 more transcripts); c.1835+5G>T (NM_001318827.2); c.1346+5G>T (NM_001318831.2); c.1799+5G>T (NM_001318829.2); c.1979+5G>T (NM_001318832.2).
Identifiers: ClinVar variation 406022 (VCV000406022.20), dbSNP rs766646261, ClinGen allele CA16615060.